The following is an entry in ClinVar:

NM_001165963.4(SCN1A):c.5740_5742del (p.Gln1914del)

Genes: SCN1A (sodium voltage-gated channel alpha subunit 1; minus strand), LOC102724058 (uncharacterized LOC102724058; plus strand). Cytogenetic location: 2q24.3.
Variant type: Deletion.
Coding change: c.5740_5742del on transcript NM_001165963.4 (MANE Select); coding-DNA positions 5740 to 5742, 3 bases deleted (CAA; older notation c.5740_5742delCAA).
Protein change: p.Gln1914del; deletes glutamine 1914.
Molecular consequence: non-coding transcript variant (on NR_148667.2).
Genome position (GRCh38, 1-based): chr2:165,991,533-165,991,535, TTG deleted on the plus strand (CAA on the coding strand, the reverse complement: SCN1A is on the minus strand); deleting any 3 consecutive bases within chr2:165,991,533-165,991,537 gives the same sequence; the c. name uses the placement nearest the transcript's 3' end. VCF-style (leftmost placement, unchanged base first): chr2-165991532-CTTG-C. GRCh37 (hg19) VCF-style: chr2-166848042-CTTG-C.
Other names: c.5656_5658del, p.Gln1886del (NM_001165964.3, NM_001353957.2, NM_001353958.2); c.5740_5742del, p.Gln1914del (NM_001202435.3, NM_001353948.2); c.5707_5709del, p.Gln1903del (NM_001353949.2, NM_001353950.2, NM_001353951.2 and 2 more transcripts); c.5704_5706del, p.Gln1902del (NM_001353954.2, NM_001353955.2); c.5653_5655del, p.Gln1885del (NM_001353960.2); c.3298_3300del, p.Gln1100del (NM_001353961.2); short protein forms Q1885del, Q1886del, Q1902del, Q1903del, Q1914del, Q1100del.
Identifiers: ClinVar variation 3704369 (VCV003704369.2).

ClinVar aggregate classification (germline): Uncertain significance (1 of 4 stars; one submission).

Conditions:
Early-infantile DEE. Also called: Early infantile epileptic encephalopathy with suppression bursts; Early infantile epileptic encephalopathy; Ohtahara syndrome. Identifiers: Orphanet 1934, MedGen C0393706, MONDO:0800491.

Submission:

Labcorp Genetics (formerly Invitae), Labcorp
Classification: Uncertain significance for Early-infantile DEE. Last evaluated: 2024-08-26. Review status: criteria provided, single submitter. Criteria: Invitae Variant Classification Sherloc (09022015). Collection method: clinical testing. Allele origin: germline.
Comment: This variant, c.5740_5742del, results in the deletion of 1 amino acid(s) of the SCN1A protein (p.Gln1914del), but otherwise preserves the integrity of the reading frame. This variant is not present in population databases (gnomAD no frequency). This variant has been observed in individual(s) with Dravet syndrome (PMID: 30185235). In at least one individual the variant was observed to be de novo. Experimental studies and prediction algorithms are not available or were not evaluated, and the functional significance of this variant is currently unknown. In summary, the available evidence is currently insufficient to determine the role of this variant in disease. Therefore, it has been classified as a Variant of Uncertain Significance.

Literature cited by the submitters: PubMed 30185235.